The following is an entry in ClinVar:

NM_001008212.2(OPTN):c.1197_1198inv (p.His400Tyr)

Gene: OPTN (optineurin; plus strand). Cytogenetic location: 10p13.
Variant type: Inversion.
Coding change: c.1197_1198inv on transcript NM_001008212.2 (MANE Select).
Protein change: p.His400Tyr; replaces histidine 400 with tyrosine.
Molecular consequence: missense variant.
Genome position: GRCh38 VCF-style: chr10-13125994-AC-GT. GRCh37 (hg19) VCF-style: chr10-13167994-AC-GT.
Other names: c.1197_1198inv, p.His400Tyr (NM_001008211.1, NM_001008213.1, NM_021980.4); short protein forms H400Y.
Identifiers: ClinVar variation 2119145 (VCV002119145.4), ClinGen allele CA2580081341.

ClinVar aggregate classification (germline): Uncertain significance (1 of 4 stars; one submission).

Conditions:
Primary open angle glaucoma (POAG). Also called: OPTN-related open angle glaucoma. Identifiers: MedGen C0339573, MONDO:0100553, OMIM 137760.
Glaucoma 1, open angle, E. Identifiers: MedGen C1842026, MONDO:0007665.
Amyotrophic lateral sclerosis type 12 (ALS12). Also called: AMYOTROPHIC LATERAL SCLEROSIS 12 WITH OR WITHOUT FRONTOTEMPORAL DEMENTIA. Identifiers: Orphanet 803, MedGen C3150692, MONDO:0013264, OMIM 613435.

Submission:

Labcorp Genetics (formerly Invitae), Labcorp
Classification: Uncertain significance for Primary open angle glaucoma; Glaucoma 1, open angle, E; Amyotrophic lateral sclerosis type 12. Last evaluated: 2022-03-29. Review status: criteria provided, single submitter. Criteria: Invitae Variant Classification Sherloc (09022015). Collection method: clinical testing. Allele origin: germline.
Comment: This sequence change replaces histidine, which is basic and polar, with tyrosine, which is neutral and polar, at codon 400 of the OPTN protein (p.His400Tyr). Information on the frequency of this variant in the gnomAD database is not available, as this variant may be reported differently in the database. This variant has not been reported in the literature in individuals affected with OPTN-related conditions. Experimental studies and prediction algorithms are not available or were not evaluated, and the functional significance of this variant is currently unknown. In summary, the available evidence is currently insufficient to determine the role of this variant in disease. Therefore, it has been classified as a Variant of Uncertain Significance.